The following is an entry in ClinVar:

NM_032776.3(JMJD1C):c.1970A>C (p.Lys657Thr)

Gene: JMJD1C (jumonji domain containing 1C; minus strand). Cytogenetic location: 10q21.3.
Variant type: single nucleotide variant.
Coding change: c.1970A>C on transcript NM_032776.3 (MANE Select); coding-DNA position 1970, A replaced by C.
Protein change: p.Lys657Thr; replaces lysine 657 with threonine.
Molecular consequence: missense variant. On other transcripts: non-coding transcript variant (1).
Genome position (GRCh38, 1-based): chr10:63,214,197, T>G on the plus strand (A>C on the coding strand, the complement: JMJD1C is on the minus strand). VCF-style: chr10-63214197-T-G. GRCh37 (hg19) VCF-style: chr10-64973957-T-G.
Other names: c.1424A>C, p.Lys475Thr (NM_001282948.2, NM_001318154.2); c.1106A>C, p.Lys369Thr (NM_001318153.2); c.1856A>C, p.Lys619Thr (NM_001322252.2); c.1313A>C, p.Lys438Thr (NM_001322254.2, NM_001322258.2); short protein forms K369T, K475T, K657T, K438T, K619T.
Identifiers: ClinVar variation 4737654 (VCV004737654.1).

ClinVar aggregate classification (germline): Uncertain significance (1 of 4 stars; one submission).

Conditions:
Early Myoclonic Encephalopathy. Identifiers: MedGen C0270855.

gnomAD v4.1: 1 of 1,614,060 alleles (0.000062%); highest among the groups gnomAD compares: Middle Eastern, 0.016%; no homozygotes.

Submission:

Labcorp Genetics (formerly Invitae), Labcorp
Classification: Uncertain significance for Early Myoclonic Encephalopathy. Last evaluated: 2025-05-10. Review status: criteria provided, single submitter. Criteria: Invitae Variant Classification Sherloc (09022015). Collection method: clinical testing. Allele origin: germline.
Comment: This sequence change replaces lysine, which is basic and polar, with threonine, which is neutral and polar, at codon 657 of the JMJD1C protein (p.Lys657Thr). This variant is not present in population databases (gnomAD no frequency). This variant has not been reported in the literature in individuals affected with JMJD1C-related conditions. Invitae Evidence Modeling of protein sequence and biophysical properties (such as structural, functional, and spatial information, amino acid conservation, physicochemical variation, residue mobility, and thermodynamic stability) indicates that this missense variant is expected to disrupt JMJD1C protein function with a positive predictive value of 80%. In summary, the available evidence is currently insufficient to determine the role of this variant in disease. Therefore, it has been classified as a Variant of Uncertain Significance.